The following is an entry in ClinVar:

NM_004519.4(KCNQ3):c.1421C>T (p.Thr474Met)

Gene: KCNQ3 (potassium voltage-gated channel subfamily Q member 3; minus strand). Cytogenetic location: 8q24.22.
Variant type: single nucleotide variant.
Coding change: c.1421C>T on transcript NM_004519.4 (MANE Select); coding-DNA position 1421, C replaced by T.
Protein change: p.Thr474Met; replaces threonine 474 with methionine.
Molecular consequence: missense variant.
Genome position (GRCh38, 1-based): chr8:132,141,173, G>A on the plus strand (C>T on the coding strand, the complement: KCNQ3 is on the minus strand). VCF-style: chr8-132141173-G-A. GRCh37 (hg19) VCF-style: chr8-133153420-G-A.
Other names: p.T474M:ACG>ATG; c.1061C>T, p.Thr354Met (NM_001204824.2); short protein forms T474M, T354M.
Identifiers: ClinVar variation 205971 (VCV000205971.13), dbSNP rs757583944, ClinGen allele CA315609.

ClinVar aggregate classification (germline): Conflicting classifications of pathogenicity. Review status: criteria provided, conflicting classifications (1 of 4 stars). 4 submissions from 4 submitters: Uncertain significance (3); Benign (1). Last evaluated 2025-11-17.

Conditions:
Seizures, benign familial neonatal, 2. Also called: Benign Neonatal Epilepsy 2; Seizures, benign neonatal, 2; CONVULSIONS, BENIGN FAMILIAL NEONATAL, 2; KCNQ3-Related Benign Familial Neonatal Epilepsy; KCNQ3-Related Self-Limited Familial Neonatal Epilepsy (SLFNE). Identifiers: Orphanet 1949, MedGen C1852581, MONDO:0007366, OMIM 121201.
Inborn genetic diseases. Identifiers: MedGen C0950123, MeSH D030342.
Benign neonatal seizures. Also called: Benign familial neonatal epilepsy; Benign familial neonatal seizures; Benign neonatal familial convulsions; Convulsions benign familial neonatal dominant form; Autosomal dominant form of benign neonatal seizures. Identifiers: Orphanet 1949, MedGen C0220669, MONDO:0016027.

Allele frequency attached by ClinVar (database versions not stated): gnomAD exomes 0.00001 and 0.00002; gnomAD 0.00001; ExAC 0.00002; TOPMed 0.00004.
gnomAD v4.1: 15 of 1,614,040 alleles (0.00093%); highest among the groups gnomAD compares: Admixed American, 0.01%; no homozygotes.

Submissions (4):

Labcorp Genetics (formerly Invitae), Labcorp
Classification: Uncertain significance for Benign neonatal seizures. Last evaluated: 2025-11-17. Review status: criteria provided, single submitter. Criteria: Invitae Variant Classification Sherloc (09022015). Collection method: clinical testing. Allele origin: germline.
Comment: This sequence change replaces threonine, which is neutral and polar, with methionine, which is neutral and non-polar, at codon 474 of the KCNQ3 protein (p.Thr474Met). This variant is present in population databases (rs757583944, gnomAD 0.009%). This missense change has been observed in individual(s) with clinical features of KCNQ3-related conditions (internal data). ClinVar contains an entry for this variant (Variation ID: 205971). Invitae Evidence Modeling of protein sequence and biophysical properties (such as structural, functional, and spatial information, amino acid conservation, physicochemical variation, residue mobility, and thermodynamic stability) indicates that this missense variant is not expected to disrupt KCNQ3 protein function with a negative predictive value of 80%. In summary, the available evidence is currently insufficient to determine the role of this variant in disease. Therefore, it has been classified as a Variant of Uncertain Significance.

Ambry Genetics
Classification: Uncertain significance for Inborn genetic diseases. Last evaluated: 2025-09-25. Review status: criteria provided, single submitter. Criteria: Ambry Variant Classification Scheme 2023. Collection method: clinical testing. Allele origin: germline.

Illumina Laboratory Services, Illumina
Classification: Benign for Seizures, benign familial neonatal, 2. Last evaluated: 2018-01-12. Review status: criteria provided, single submitter. Criteria: ICSL Variant Classification Criteria 13 December 2019. Collection method: clinical testing. Allele origin: germline.
Comment: This variant was observed in the ICSL laboratory as part of a predisposition screen in an ostensibly healthy population. It had not been previously curated by ICSL or reported in the Human Gene Mutation Database (HGMD: prior to June 1st, 2018), and was therefore a candidate for classification through an automated scoring system. Utilizing variant allele frequency, disease prevalence and penetrance estimates, and inheritance mode, an automated score was calculated to assess if this variant is too frequent to cause the disease. Based on the score and internal cut-off values, a variant classified as benign is not then subjected to further curation. The score for this variant resulted in a classification of benign for this disease.

GeneDx
Classification: Uncertain significance. Last evaluated: 2014-06-11. Review status: criteria provided, single submitter. Criteria: GeneDx Variant Classification (06012015). Collection method: clinical testing. Allele origin: germline. Affected: yes.
Comment: p.Thr474Met (ACG>ATG): c.1421 C>T in exon 10 of the KCNQ3 gene (NM_004519.2) A variant of unknown significance has been identified in the KCNQ3 gene. The T474M variant has not been published as a mutation, nor has it been reported as a benign polymorphism to our knowledge. It was not observed in approximately 6,500 individuals of European and African American ancestry in the NHLBI Exome Sequencing Project, indicating it is not a common benign variant in these populations. It is a non-conservative amino acid substitution, which is likely to impact secondary protein structure as these residues differ in polarity, charge, size and/or other properties. This substitution occurs at a position in the C-terminal domain of the protein that is conserved across species, and in silico analysis predicts this variant is probably damaging to the protein structure/function. However, missense mutations have not been reported in this region of the protein. Based on the currently available information, it is unclear whether this variant is a pathogenic mutation or a rare benign variant. The variant is found in INFANT-EPI panel(s).